The following is an entry in ClinVar:

ClinVar aggregate classification (germline): Pathogenic (1 of 4 stars; one submission).

Submission:

Labcorp Genetics (formerly Invitae), Labcorp
Classification: Pathogenic. Last evaluated: 2020-03-25. Review status: criteria provided, single submitter. Criteria: Invitae Variant Classification Sherloc (09022015). Collection method: clinical testing. Allele origin: germline.
Comment: This variant is an out-of-frame deletion of the genomic region encompassing exons 5-9 of the USH2A gene. This is expected to create a premature translational stop signal and result in an absent or disrupted protein product. This variant has been observed in a family affected with retinitis pigmentosa (PMID: 25352746). Loss-of-function variants in USH2A are known to be pathogenic (PMID: 10729113, 10909849, 20507924, 25649381). For these reasons, this variant has been classified as Pathogenic.

Literature cited by the submitters: PubMed 25352746; PubMed 10729113; PubMed 10909849; PubMed 20507924; PubMed 25649381.

NC_000001.10:g.(?_216495225)_(216500996_?)del

Gene: USH2A (usherin; minus strand). Cytogenetic location: 1q41.
Variant type: Deletion.
Identifiers: ClinVar variation 1068611 (VCV001068611.1).